The following is an entry in ClinVar:

ClinVar aggregate classification (germline): Uncertain significance. Review status: criteria provided, multiple submitters, no conflicts (2 of 4 stars). 2 submissions from 2 submitters: Uncertain significance (2). Last evaluated 2024-10-27.

Conditions:
DIAPH1-related disorder. Also called: DIAPH1-related condition.
Progressive microcephaly-seizures-cortical blindness-developmental delay syndrome. Also called: Seizures, cortical blindness, and microcephaly syndrome. Identifiers: Orphanet 477814, MedGen C5567650, MONDO:0014714, OMIM 616632.
Autosomal dominant nonsyndromic hearing loss 1. Also called: KONIGSMARK SYNDROME; DEAFNESS, AUTOSOMAL DOMINANT 1, WITH OR WITHOUT THROMBOCYTOPENIA. Identifiers: Orphanet 90635, MedGen C1852282, MONDO:0007424, OMIM 124900.

Allele frequency attached by ClinVar (database versions not stated): gnomAD exomes below 0.00001 and 0.00004; ExAC 0.00001; TOPMed 0.00001.
gnomAD v4.1: 55 of 1,613,970 alleles (0.0034%); highest among the groups gnomAD compares: Non-Finnish European, 0.0045%; no homozygotes.

Submissions (2):

PreventionGenetics, part of Exact Sciences
Classification: Uncertain significance for DIAPH1-related condition. Last evaluated: 2024-10-27. Review status: criteria provided, single submitter. Criteria: ACMG Guidelines, 2015. Collection method: clinical testing. Allele origin: germline.
Comment: The DIAPH1 c.2242C>A variant is predicted to result in the amino acid substitution p.Pro748Thr. To our knowledge, this variant has not been reported in the literature. This variant is reported in 0.00088% of alleles in individuals of European (Non-Finnish) descent in gnomAD. At this time, the clinical significance of this variant is uncertain due to the absence of conclusive functional and genetic evidence.

Labcorp Genetics (formerly Invitae), Labcorp
Classification: Uncertain significance for Progressive microcephaly-seizures-cortical blindness-developmental delay syndrome; Autosomal dominant nonsyndromic hearing loss 1. Last evaluated: 2024-05-13. Review status: criteria provided, single submitter. Criteria: Invitae Variant Classification Sherloc (09022015). Collection method: clinical testing. Allele origin: germline.
Comment: This sequence change replaces proline, which is neutral and non-polar, with threonine, which is neutral and polar, at codon 748 of the DIAPH1 protein (p.Pro748Thr). This variant is present in population databases (rs760810515, gnomAD 0.0009%). This variant has not been reported in the literature in individuals affected with DIAPH1-related conditions. ClinVar contains an entry for this variant (Variation ID: 1350712). Experimental studies and prediction algorithms are not available or were not evaluated, and the functional significance of this variant is currently unknown. In summary, the available evidence is currently insufficient to determine the role of this variant in disease. Therefore, it has been classified as a Variant of Uncertain Significance.

NM_005219.5(DIAPH1):c.2242C>A (p.Pro748Thr)

Gene: DIAPH1 (diaphanous related formin 1; minus strand). Cytogenetic location: 5q31.3.
Variant type: single nucleotide variant.
Coding change: c.2242C>A on transcript NM_005219.5 (MANE Select); coding-DNA position 2242, C replaced by A.
Protein change: p.Pro748Thr; replaces proline 748 with threonine.
Molecular consequence: missense variant.
Genome position (GRCh38, 1-based): chr5:141,573,608, G>T on the plus strand (C>A on the coding strand, the complement: DIAPH1 is on the minus strand). VCF-style: chr5-141573608-G-T. GRCh37 (hg19) VCF-style: chr5-140953175-G-T.
Other names: c.2242C>A (NM_005219.4); c.2215C>A, p.Pro739Thr (NM_001079812.3); c.2242C>A, p.Pro748Thr (NM_001314007.2); short protein forms P739T, P748T.
Identifiers: ClinVar variation 1350712 (VCV001350712.9), dbSNP rs760810515, ClinGen allele CA3479131.